The following is an entry in ClinVar:

NM_000535.7(PMS2):c.538-12dup

Gene: PMS2 (PMS1 homolog 2, mismatch repair system component; minus strand). Cytogenetic location: 7p22.1.
Variant type: Duplication.
Coding change: c.538-12dup on transcript NM_000535.7 (MANE Select); 12 bases into the intron before coding-DNA position 538, one base duplicated (T; older notation c.538-12dupT).
Molecular consequence: intron variant.
Genome position (GRCh38, 1-based): chr7:5,999,282, A duplicated on the plus strand (T on the coding strand, the reverse complement: PMS2 is on the minus strand); the first of 6 consecutive A bases (chr7:5,999,282-5,999,287); duplicating any one gives the same sequence. VCF-style (leftmost placement, unchanged base first): chr7-5999281-T-TA. GRCh37 (hg19) VCF-style: chr7-6038912-T-TA.
Other names: c.220-12dup (NM_001322008.2, NM_001322007.2); c.133-12dup (NM_001322010.2, NM_001322004.2, NM_001322003.2 and 2 more transcripts); c.133-1864dup (NM_001322013.2); c.-347-61dup (NM_001322012.2, NM_001322011.2); c.229-12dup (NM_001322015.2); c.538-12dup (NM_001322006.2, NM_001322014.2); c.538-7dup (NM_000535.7); c.538-7dupT (NM_000535.7).
Identifiers: ClinVar variation 1140466 (VCV001140466.15), dbSNP rs1455766004, ClinGen allele CA572822767.

ClinVar aggregate classification (germline): Likely benign. Review status: criteria provided, multiple submitters, no conflicts (2 of 4 stars). 4 submissions from 4 submitters: Likely benign (4). Last evaluated 2025-04-28.

Conditions:
Hereditary cancer-predisposing syndrome. Also called: Hereditary Cancer Syndrome; Neoplastic Syndromes, Hereditary; Hereditary neoplastic syndrome; Tumor predisposition. Identifiers: Orphanet 140162, MedGen C0027672, MeSH D009386, MONDO:0015356.
Lynch syndrome 4 (LYNCH4). Also called: Colorectal cancer, hereditary nonpolyposis, type 4; Hereditary non-polyposis colorectal cancer, type 4. Identifiers: Orphanet 144, MedGen C1838333, MONDO:0013699, OMIM 614337. Disease mechanism: loss of function.
Hereditary nonpolyposis colorectal neoplasms. Identifiers: MedGen C0009405, MeSH D003123.

Submissions (4):

Women's Health and Genetics/Laboratory Corporation of America, LabCorp
Classification: Likely benign. Last evaluated: 2025-04-28. Review status: criteria provided, single submitter. Criteria: LabCorp Variant Classification Summary - May 2015. Collection method: clinical testing. Allele origin: germline.
Comment: Variant summary: PMS2 c.538-7dupT alters a conserved nucleotide located at a position not widely known to affect splicing. Consensus agreement among computation tools predict no significant impact on normal splicing. However, these predictions have yet to be confirmed by functional studies. The variant allele was found at a frequency of 4e-06 in 251466 control chromosomes. The available data on variant occurrences in the general population are insufficient to allow any conclusion about variant significance. To our knowledge, no occurrence of c.538-7dupT in individuals affected with Hereditary Nonpolyposis Colorectal Cancer and no experimental evidence demonstrating its impact on protein function have been reported. ClinVar contains an entry for this variant (Variation ID: 1140466). Based on the evidence outlined above, the variant was classified as likely benign.

Myriad Genetics, Inc.
Classification: Likely benign for Lynch syndrome 4. Last evaluated: 2025-01-27. Review status: criteria provided, single submitter. Criteria: Myriad Autosomal Dominant, Autosomal Recessive and X-Linked Classification Criteria (2023). Collection method: clinical testing. Allele origin: unknown.
Comment: This variant is considered likely benign. This variant is intronic and is not expected to impact mRNA splicing.

Labcorp Genetics (formerly Invitae), Labcorp
Classification: Likely benign for Hereditary nonpolyposis colorectal neoplasms. Last evaluated: 2022-09-01. Review status: criteria provided, single submitter. Criteria: Invitae Variant Classification Sherloc (09022015). Collection method: clinical testing. Allele origin: germline.

Color Diagnostics, LLC DBA Color Health
Classification: Likely benign for Hereditary cancer-predisposing syndrome. Last evaluated: 2022-01-24. Review status: criteria provided, single submitter. Criteria: ACMG Guidelines, 2015. Collection method: clinical testing. Allele origin: germline.